The following is an entry in ClinVar:

ClinVar aggregate classification (germline): Uncertain significance (1 of 4 stars; one submission).

Conditions:
Cardiovascular phenotype. Identifiers: MedGen CN230736.

Allele frequency attached by ClinVar (database versions not stated): gnomAD 0.00001; TOPMed 0.00001; gnomAD exomes 0.00002.
gnomAD v4.1: 32 of 1,611,180 alleles (0.002%); highest among the groups gnomAD compares: Non-Finnish European, 0.0026%; no homozygotes.

Submission:

Ambry Genetics
Classification: Uncertain significance for Cardiovascular phenotype. Last evaluated: 2020-06-30. Review status: criteria provided, single submitter. Criteria: Ambry Variant Classification Scheme 2023. Collection method: clinical testing. Allele origin: germline.
Comment: The p.D5923V variant (also known as c.17768A>T), located in coding exon 71 of the TTN gene, results from an A to T substitution at nucleotide position 17768. The aspartic acid at codon 5923 is replaced by valine, an amino acid with highly dissimilar properties. This amino acid position is not well conserved in available vertebrate species. In addition, the in silico prediction for this alteration is inconclusive. Since supporting evidence is limited at this time, the clinical significance of this alteration remains unclear.

NM_001267550.2(TTN):c.44963A>T (p.Asp14988Val)

Genes: TTN (titin; minus strand), LOC126806427 (BRD4-independent group 4 enhancer GRCh37_chr2:179485777-179486976; plus strand). Cytogenetic location: 2q31.2.
Variant type: single nucleotide variant.
Coding change: c.44963A>T on transcript NM_001267550.2 (MANE Select); coding-DNA position 44963, A replaced by T.
Protein change: p.Asp14988Val; replaces aspartic acid 14988 with valine.
Molecular consequence: missense variant.
Genome position (GRCh38, 1-based): chr2:178,621,959, T>A on the plus strand (A>T on the coding strand, the complement: TTN is on the minus strand). VCF-style: chr2-178621959-T-A. GRCh37 (hg19) VCF-style: chr2-179486686-T-A.
Other names: c.40040A>T, p.Asp13347Val (NM_001256850.1); c.17768A>T, p.Asp5923Val (NM_003319.4); c.37259A>T, p.Asp12420Val (NM_133378.4); c.18143A>T, p.Asp6048Val (NM_133432.3); c.18344A>T, p.Asp6115Val (NM_133437.4); short protein forms D14988V, D13347V, D6115V, D12420V, D5923V, D6048V.
Identifiers: ClinVar variation 1779872 (VCV001779872.2), dbSNP rs1478836616, ClinGen allele CA349638113.